The following is an entry in ClinVar:

ClinVar aggregate classification (germline): Uncertain significance. Review status: criteria provided, multiple submitters, no conflicts (2 of 4 stars). 3 submissions from 3 submitters: Uncertain significance (3). Last evaluated 2026-01-14.

Conditions:
Hereditary cancer-predisposing syndrome. Also called: Neoplastic Syndromes, Hereditary; Tumor predisposition; Hereditary Cancer Syndrome; Hereditary neoplastic syndrome. Identifiers: Orphanet 140162, MedGen C0027672, MeSH D009386, MONDO:0015356.
Neuroblastoma, susceptibility to, 3. Also called: ALK-Related Neuroblastic Tumor Susceptibility. Identifiers: Orphanet 635, MedGen C2751681, MONDO:0013083, OMIM 613014.

Allele frequency attached by ClinVar (database versions not stated): gnomAD 0.00004; TOPMed 0.00004; ESP Exome Variant Server 0.00015.

Submissions (3):

Labcorp Genetics (formerly Invitae), Labcorp
Classification: Uncertain significance for Neuroblastoma, susceptibility to, 3. Last evaluated: 2026-01-14. Review status: criteria provided, single submitter. Criteria: Invitae Variant Classification Sherloc (09022015). Collection method: clinical testing. Allele origin: germline.
Comment: This sequence change replaces arginine, which is basic and polar, with cysteine, which is neutral and slightly polar, at codon 311 of the ALK protein (p.Arg311Cys). This variant is present in population databases (rs149837139, gnomAD 0.01%). This variant has not been reported in the literature in individuals affected with ALK-related conditions. ClinVar contains an entry for this variant (Variation ID: 538222). An algorithm developed to predict the effect of missense changes on protein structure and function (PolyPhen-2) suggests that this variant is likely to be tolerated. In summary, the available evidence is currently insufficient to determine the role of this variant in disease. Therefore, it has been classified as a Variant of Uncertain Significance.

Ambry Genetics
Classification: Uncertain significance for Hereditary cancer-predisposing syndrome. Last evaluated: 2024-04-09. Review status: criteria provided, single submitter. Criteria: Ambry Variant Classification Scheme 2023. Collection method: clinical testing. Allele origin: germline.
Comment: The p.R311C variant (also known as c.931C>T), located in coding exon 3 of the ALK gene, results from a C to T substitution at nucleotide position 931. The arginine at codon 311 is replaced by cysteine, an amino acid with highly dissimilar properties. This amino acid position is conserved. In addition, this alteration is predicted to be tolerated by in silico analysis. Since supporting evidence is limited at this time, the clinical significance of this alteration remains unclear.

Baylor Genetics
Classification: Uncertain significance for Neuroblastoma, susceptibility to, 3. Last evaluated: 2023-11-04. Review status: criteria provided, single submitter. Criteria: ACMG Guidelines, 2015. Collection method: clinical testing. Allele origin: unknown.

NM_004304.5(ALK):c.931C>T (p.Arg311Cys)

Gene: ALK (ALK receptor tyrosine kinase; minus strand). Cytogenetic location: 2p23.2.
Variant type: single nucleotide variant.
Coding change: c.931C>T on transcript NM_004304.5 (MANE Select); coding-DNA position 931, C replaced by T.
Protein change: p.Arg311Cys; replaces arginine 311 with cysteine.
Molecular consequence: missense variant.
Genome position (GRCh38, 1-based): chr2:29,694,871, G>A on the plus strand (C>T on the coding strand, the complement: ALK is on the minus strand). VCF-style: chr2-29694871-G-A. GRCh37 (hg19) VCF-style: chr2-29917737-G-A.
Other names: short protein forms R311C.
Identifiers: ClinVar variation 538222 (VCV000538222.13), dbSNP rs149837139, ClinGen allele CA1594810.